The following is an entry in ClinVar:

ClinVar aggregate classification (germline): Uncertain significance (1 of 4 stars; one submission).

Conditions:
Cardiovascular phenotype. Identifiers: MedGen CN230736.

Submission:

Ambry Genetics
Classification: Uncertain significance for Cardiovascular phenotype. Last evaluated: 2025-05-27. Review status: criteria provided, single submitter. Criteria: Ambry Variant Classification Scheme 2023. Collection method: clinical testing. Allele origin: germline.
Comment: The p.P297H variant (also known as c.890C>A), located in coding exon 7 of the ABCG5 gene, results from a C to A substitution at nucleotide position 890. The proline at codon 297 is replaced by histidine, an amino acid with similar properties. This amino acid position is conserved. In addition, this alteration is predicted to be deleterious by in silico analysis. Based on the available evidence, the clinical significance of this variant remains unclear.

NM_022436.3(ABCG5):c.890C>A (p.Pro297His)

Genes: ABCG5 (ATP binding cassette subfamily G member 5; minus strand), DYNC2LI1 (dynein cytoplasmic 2 light intermediate chain 1; plus strand). Cytogenetic location: 2p21.
Variant type: single nucleotide variant.
Coding change: c.890C>A on transcript NM_022436.3 (MANE Select); coding-DNA position 890, C replaced by A.
Protein change: p.Pro297His; replaces proline 297 with histidine.
Molecular consequence: missense variant. On other transcripts: intron variant (2).
Genome position (GRCh38, 1-based): chr2:43,824,903, G>T on the plus strand (C>A on the coding strand, the complement: ABCG5 is on the minus strand). VCF-style: chr2-43824903-G-T. GRCh37 (hg19) VCF-style: chr2-44052042-G-T.
Other names: c.*16-2483G>T (NM_001348913.2, NM_001348912.2); short protein forms P297H.
Identifiers: ClinVar variation 3992567 (VCV003992567.1).